The following is an entry in ClinVar:

NM_020297.4(ABCC9):c.3096+249AG[2]

Gene: ABCC9 (ATP binding cassette subfamily C member 9; minus strand). Cytogenetic location: 12p12.1.
Variant type: Microsatellite.
Coding change: c.3096+249AG[2] on transcript NM_020297.4 (MANE Select); two copies in a row of the 2-base unit AG starting at c.3096+249; the reference has three copies in a row; one copy, 2 bases deleted.
Molecular consequence: intron variant.
Genome position (GRCh38, 1-based): chr12:21,845,349-21,845,350, CT deleted on the plus strand (AG on the coding strand, the reverse complement: ABCC9 is on the minus strand); deleting any 2 consecutive bases within chr12:21,845,349-21,845,354 gives the same sequence; the position shown is the placement nearest the transcript's 3' end. VCF-style (leftmost placement, unchanged base first): chr12-21845348-ACT-A. GRCh37 (hg19) VCF-style: chr12-21998282-ACT-A.
Other names: c.2229+249AG[2] (NM_001377274.1); c.3096+249AG[2] (NM_005691.4, NM_001377273.1).
Identifiers: ClinVar variation 681256 (VCV000681256.1), dbSNP rs146086828, ClinGen allele CA233594804.
Genomic context (GRCh38, chr12:21,845,348, plus strand): 5'-AAATACAAAAAGGTCCTCTGTGTGTATATATGTATAACATATATAAAAATATATGTATAA[ACT>A]CTCTTGAATACAAGTCTAAACATTATATTTAAATATTTCTTATGATAAACTTTAAAAGTA-3'

ClinVar aggregate classification (germline): Benign (1 of 4 stars; one submission).

Submission:

GeneDx
Classification: Benign. Last evaluated: 2018-06-14. Review status: criteria provided, single submitter. Criteria: GeneDx Variant Classification (06012015). Collection method: clinical testing. Allele origin: germline. Affected: yes.
Comment: This variant is considered likely benign or benign based on one or more of the following criteria: it is a conservative change, it occurs at a poorly conserved position in the protein, it is predicted to be benign by multiple in silico algorithms, and/or has population frequency not consistent with disease.